The following is an entry in ClinVar:

NM_002609.4(PDGFRB):c.2959C>T (p.Arg987Trp)

Gene: PDGFRB (platelet derived growth factor receptor beta; minus strand). Cytogenetic location: 5q32.
Variant type: single nucleotide variant.
Coding change: c.2959C>T on transcript NM_002609.4 (MANE Select); coding-DNA position 2959, C replaced by T.
Protein change: p.Arg987Trp; replaces arginine 987 with tryptophan.
Molecular consequence: missense variant.
Genome position (GRCh38, 1-based): chr5:150,117,796, G>A on the plus strand (C>T on the coding strand, the complement: PDGFRB is on the minus strand). VCF-style: chr5-150117796-G-A. GRCh37 (hg19) VCF-style: chr5-149497359-G-A.
Other names: c.2767C>T, p.Arg923Trp (NM_001355016.2); c.2476C>T, p.Arg826Trp (NM_001355017.2); short protein forms R987W, R826W, R923W.
Identifiers: ClinVar variation 39589 (VCV000039589.7), dbSNP rs397509382, ClinGen allele CA343799.

ClinVar aggregate classification (germline): Uncertain significance. Review status: criteria provided, multiple submitters, no conflicts (2 of 4 stars). 4 submissions from 4 submitters: Uncertain significance (2). 2 of the submissions do not count toward it. Last evaluated 2023-11-13.

Conditions:
Basal ganglia calcification, idiopathic, 4 (PFBC4). Also called: PRIMARY FAMILIAL BRAIN CALCIFICATION 4, AUTOSOMAL DOMINANT; Familial Idiopathic Basal Ganglia Calcification 4. Identifiers: Orphanet 1980, MedGen C3554321, MONDO:0014004, OMIM 615007.

Allele frequency attached by ClinVar (database versions not stated): TOPMed below 0.00001; ExAC 0.00002; gnomAD exomes 0.00003 and 0.00002; gnomAD 0.00001.
gnomAD v4.1: 23 of 1,613,730 alleles (0.0014%); highest among the groups gnomAD compares: East Asian, 0.0022%; no homozygotes.

Submissions (4):

GeneDx
Classification: Uncertain significance. Last evaluated: 2023-11-13. Review status: criteria provided, single submitter. Criteria: GeneDx Variant Classification Process June 2021. Collection method: clinical testing. Allele origin: germline. Affected: yes.
Comment: Reported previously in a patient with memory issues, bilateral bradykinesia, and basal ganglia calcifications seen on brain MRI and not seen in controls (PMID: 23255827); In silico analysis supports that this missense variant has a deleterious effect on protein structure/function; This variant is associated with the following publications: (PMID: 24796542, 26599395, 25292412, 37114246, 23255827)

Seattle Children's Hospital Molecular Genetics Laboratory, Seattle Children's Hospital
Classification: Uncertain significance. Last evaluated: 2021-09-03. Review status: criteria provided, single submitter. Criteria: ACMG Guidelines, 2015. Collection method: clinical testing. Allele origin: somatic. Affected: yes.
Comment: The PDGFRB c.2959C>T variant, located in exon 22, was identified in 1% of reads, also consistent with somatic origin. This variant has been observed in the heterozygous state in an individual with idiopathic ganglia calcification (Ref 7). The p.Arg987Trp variant has been shown to reduce protein levels when overexpressed (PMID: 26599395). This variant has also been observed in 8 heterozygotes in large population studies (gnomAD v2.1.1).

OMIM
Classification: Pathogenic for PRIMARY FAMILIAL BRAIN CALCIFICATION 4, AUTOSOMAL DOMINANT. Last evaluated: 2013-01-08. Review status: no assertion criteria provided. Collection method: literature only. Allele origin: germline. Not counted in ClinVar's aggregate classification.

GeneReviews
No classification provided. Condition: Basal ganglia calcification, idiopathic, 4. Review status: no classification provided. Collection method: literature only. Allele origin: unknown. Not counted in ClinVar's aggregate classification.

Literature cited by the submitters: PubMed 23255827 (cited by OMIM and GeneReviews); PubMed 20301594 (cited by GeneReviews); NCBI Bookshelf NBK1421 (cited by GeneReviews).